The following is an entry in ClinVar:

ClinVar aggregate classification (germline): Uncertain significance (1 of 4 stars; one submission).

Conditions:
Hereditary sensory neuropathy-deafness-dementia syndrome. Also called: NEUROPATHY, HEREDITARY SENSORY, WITH HEARING LOSS AND DEMENTIA; Hereditary Sensory and Autonomic Neuropathy Type 1E (HSAN1E); HSN IE; Hereditary sensory neuropathy type IE. Identifiers: Orphanet 456318, MedGen C3279885, MONDO:0013584, OMIM 614116.

Submission:

Labcorp Genetics (formerly Invitae), Labcorp
Classification: Uncertain significance for Hereditary sensory neuropathy-deafness-dementia syndrome. Last evaluated: 2025-03-09. Review status: criteria provided, single submitter. Criteria: Invitae Variant Classification Sherloc (09022015). Collection method: clinical testing. Allele origin: germline.
Comment: This sequence change replaces proline, which is neutral and non-polar, with leucine, which is neutral and non-polar, at codon 513 of the DNMT1 protein (p.Pro513Leu). This variant is present in population databases (no rsID available, gnomAD 0.007%). This variant has not been reported in the literature in individuals affected with DNMT1-related conditions. Invitae Evidence Modeling of protein sequence and biophysical properties (such as structural, functional, and spatial information, amino acid conservation, physicochemical variation, residue mobility, and thermodynamic stability) indicates that this missense variant is not expected to disrupt DNMT1 protein function with a negative predictive value of 80%. In summary, the available evidence is currently insufficient to determine the role of this variant in disease. Therefore, it has been classified as a Variant of Uncertain Significance.

NM_001130823.3(DNMT1):c.1538C>T (p.Pro513Leu)

Gene: DNMT1 (DNA methyltransferase 1; minus strand). Cytogenetic location: 19p13.2.
Variant type: single nucleotide variant.
Coding change: c.1538C>T on transcript NM_001130823.3 (MANE Select); coding-DNA position 1538, C replaced by T.
Protein change: p.Pro513Leu; replaces proline 513 with leucine.
Molecular consequence: missense variant.
Genome position (GRCh38, 1-based): chr19:10,155,011, G>A on the plus strand (C>T on the coding strand, the complement: DNMT1 is on the minus strand). VCF-style: chr19-10155011-G-A. GRCh37 (hg19) VCF-style: chr19-10265687-G-A.
Other names: c.1490C>T, p.Pro497Leu (NM_001318730.2, NM_001379.4); c.1175C>T, p.Pro392Leu (NM_001318731.2); short protein forms P392L, P513L, P497L.
Identifiers: ClinVar variation 4744169 (VCV004744169.1).